The following is an entry in ClinVar:

NM_144997.7(FLCN):c.397-13G>A

Gene: FLCN (folliculin; minus strand). Cytogenetic location: 17p11.2.
Variant type: single nucleotide variant.
Coding change: c.397-13G>A on transcript NM_144997.7 (MANE Select); 13 bases into the intron before coding-DNA position 397, G replaced by A.
Molecular consequence: intron variant.
Genome position (GRCh38, 1-based): chr17:17,224,156, C>T on the plus strand (G>A on the coding strand, the complement: FLCN is on the minus strand). VCF-style: chr17-17224156-C-T. GRCh37 (hg19) VCF-style: chr17-17127470-C-T.
Other names: c.397-13G>A (NM_144997.6, NM_001353231.2, NM_001353230.2 and 1 more transcripts); c.451-13G>A (NM_001353229.2).
Identifiers: ClinVar variation 96485 (VCV000096485.36), dbSNP rs3744123, ClinGen allele CA149549.

ClinVar aggregate classification (germline): Benign. Review status: criteria provided, multiple submitters, no conflicts (2 of 4 stars). 16 submissions from 15 submitters: Benign (14). 2 of the submissions do not count toward it. Last evaluated 2026-02-04.

Conditions:
Birt-Hogg-Dube syndrome 1 (BHD1). Also called: FIBROFOLLICULOMAS WITH TRICHODISCOMAS AND ACROCHORDONS. Identifiers: Orphanet 122, MedGen CN375946, MONDO:0800445, OMIM 135150.
Hereditary cancer-predisposing syndrome. Also called: Hereditary Cancer Syndrome; Neoplastic Syndromes, Hereditary; Hereditary neoplastic syndrome; Tumor predisposition. Identifiers: Orphanet 140162, MedGen C0027672, MeSH D009386, MONDO:0015356.
Familial spontaneous pneumothorax (PSP). Identifiers: Orphanet 2903, MedGen C1868193, MONDO:0008259, OMIM 173600.
Birt-Hogg-Dube syndrome. Also called: Birt Hogg Dubé syndrome. Identifiers: Orphanet 122, MedGen C0346010, MONDO:0800444.

Allele frequency attached by ClinVar (database versions not stated): gnomAD exomes 0.03278; ExAC 0.04629; 1000 Genomes Project 0.06530; gnomAD 0.06678 and 0.07012; 1000 Genomes Project 30x 0.07292; TOPMed 0.07374; ESP Exome Variant Server 0.07691.
gnomAD v4.1: 50,078 of 1,569,198 alleles (3.2%); highest among the groups gnomAD compares: African/African-American, 18%; 1,820 homozygotes.

Submissions (16):

Labcorp Genetics (formerly Invitae), Labcorp
Classification: Benign for Birt-Hogg-Dube syndrome. Last evaluated: 2026-02-04. Review status: criteria provided, single submitter. Criteria: Invitae Variant Classification Sherloc (09022015). Collection method: clinical testing. Allele origin: germline.

Center for Genomic Medicine, Rigshospitalet, Copenhagen University Hospital
Classification: Benign. Last evaluated: 2025-03-04. Review status: criteria provided, single submitter. Criteria: ACMG Guidelines, 2015. Collection method: clinical testing. Allele origin: germline.

Myriad Genetics, Inc.
Classification: Benign for Birt-Hogg-Dube syndrome 1. Last evaluated: 2024-10-22. Review status: criteria provided, single submitter. Criteria: Myriad Autosomal Dominant, Autosomal Recessive and X-Linked Classification Criteria (2023). Collection method: clinical testing. Allele origin: unknown.
Comment: This variant is considered benign. This variant is intronic and is not expected to impact mRNA splicing. This variant has been observed at a population frequency that is significantly greater than expected given the associated disease prevalence and penetrance. Homozygosity has been confirmed in one or more individuals. As homozygosity for pathogenic variants in this gene is generally assumed to result in embryonic lethality, this variant is unlikely to be pathogenic.

KCCC/NGS Laboratory, Kuwait Cancer Control Center
Classification: Benign for Birt-Hogg-Dube syndrome 1. Last evaluated: 2023-07-07. Review status: criteria provided, single submitter. Criteria: ACMG Guidelines, 2015. Collection method: clinical testing. Allele origin: germline. Affected: yes.

Department of Pathology and Laboratory Medicine, Sinai Health System
Classification: Benign for Birt-Hogg-Dube syndrome 1. Last evaluated: 2021-08-03. Review status: criteria provided, single submitter. Criteria: ACMG Guidelines, 2015. Collection method: clinical testing. Allele origin: germline. Affected: yes.

Illumina Laboratory Services, Illumina
Classification: Benign for Familial spontaneous pneumothorax. Last evaluated: 2017-04-27. Review status: criteria provided, single submitter. Criteria: ICSL Variant Classification Criteria 13 December 2019. Collection method: clinical testing. Allele origin: germline.
Comment: This variant was observed as part of a predisposition screen in an ostensibly healthy population. A literature search was performed for the gene, cDNA change, and amino acid change (where applicable). No publications were found based on this search. Allele frequency data from public databases was too high to be consistent with this variant causing disease. Therefore, this variant is classified as benign.

Illumina Laboratory Services, Illumina
Classification: Benign for Birt-Hogg-Dube syndrome 1. Last evaluated: 2017-04-27. Review status: criteria provided, single submitter. Criteria: ICSL Variant Classification Criteria 13 December 2019. Collection method: clinical testing. Allele origin: germline.
Comment: the same text as in the submission from Illumina Laboratory Services, Illumina above.

Women's Health and Genetics/Laboratory Corporation of America, LabCorp
Classification: Benign. Last evaluated: 2016-05-06. Review status: criteria provided, single submitter. Criteria: LabCorp Variant Classification Summary - May 2015. Collection method: clinical testing. Allele origin: germline.
Comment: Variant summary: The FLCN c.397-13G>A variant involves the alteration of a non-conserved intronic nucleotide. One in silico tool predicts a benign outcome for this variant. 4/5 splice prediction tools predict that this variant abolish or weaken the normal 3' splicing donor site. However, these predictions have yet to be confirmed by functional studies. This variant is found in 1915/41366 control chromosomes (107 homozygotes) at a frequency of 0.0462941, which significantly exceeds the estimated maximal expected allele frequency of a pathogenic variant (0.0000013), suggesting this variant is benign. In addition, one clinical laboratory classified this variant as benign. The variant of interest has not, to our knowledge, been reported in affected individuals via publications and/or reputable databases/clinical laboratories; nor evaluated for functional impact by in vivo/vitro studies. Taken together, this variant was classified as benign.

Ambry Genetics
Classification: Benign for Hereditary cancer-predisposing syndrome. Last evaluated: 2015-05-15. Review status: criteria provided, single submitter. Criteria: Ambry Variant Classification Scheme 2023. Collection method: clinical testing. Allele origin: germline.

GeneDx
Classification: Benign. Last evaluated: 2015-03-03. Review status: criteria provided, single submitter. Criteria: GeneDx Variant Classification Process June 2021. Collection method: clinical testing. Allele origin: germline. Affected: yes.

Eurofins Ntd Llc (ga)
Classification: Benign. Last evaluated: 2013-06-18. Review status: criteria provided, single submitter. Criteria: EGL Classification Definitions 2015. Collection method: clinical testing. Allele origin: germline. Observed: 17 variant alleles, 12 heterozygotes, 5 homozygotes.

Laboratory for Molecular Medicine, Mass General Brigham Personalized Medicine
Classification: Benign. Last evaluated: 2013-02-21. Review status: criteria provided, single submitter. Criteria: LMM Criteria. Collection method: clinical testing. Allele origin: germline. Observed: 7 variant alleles.
Comment: 397-13G>A in intron 5 of FLCN: This variant is not expected to have clinical sig nificance because it has been identified in 17.6% (776/4400) of African American chromosomes from a broad population by the NHLBI Exome Sequencing Project (dbSNP rs3744123).

Breakthrough Genomics
Classification: Benign. Review status: criteria provided, single submitter. Criteria: ACMG Guidelines, 2015. Collection method: not provided. Allele origin: germline. Inheritance: Autosomal dominant inheritance. Affected: yes.

PreventionGenetics, part of Exact Sciences
Classification: Benign. Review status: criteria provided, single submitter. Criteria: ACMG Guidelines, 2015. Collection method: clinical testing. Allele origin: germline.

Clinical Genetics DNA and cytogenetics Diagnostics Lab, Erasmus MC, Erasmus Medical Center
Classification: Benign. Review status: no assertion criteria provided. Collection method: clinical testing. Allele origin: germline. Affected: yes. Study: VKGL Data-share Consensus. Not counted in ClinVar's aggregate classification.

Joint Genome Diagnostic Labs from Nijmegen and Maastricht, Radboudumc and MUMC+
Classification: Benign. Review status: no assertion criteria provided. Collection method: clinical testing. Allele origin: germline. Affected: yes. Study: VKGL Data-share Consensus. Not counted in ClinVar's aggregate classification.